The following is an entry in ClinVar:

NM_000179.3(MSH6):c.1026C>T (p.Ala342=)

Gene: MSH6 (mutS homolog 6; plus strand). Cytogenetic location: 2p16.3.
Variant type: single nucleotide variant.
Coding change: c.1026C>T on transcript NM_000179.3 (MANE Select); coding-DNA position 1026, C replaced by T.
Protein change: p.Ala342=; no amino-acid change (alanine 342 retained).
Molecular consequence: synonymous variant. On other transcripts: non-coding transcript variant (4), intron variant (1).
Genome position (GRCh38, 1-based): chr2:47,799,009, C>T. VCF-style: chr2-47799009-C-T. GRCh37 (hg19) VCF-style: chr2-48026148-C-T.
Other names: c.636C>T, p.Ala212= (NM_001281492.2); c.120C>T, p.Ala40= (NM_001281493.2, NM_001281494.2, NM_001406811.1 and 6 more transcripts); c.1122C>T, p.Ala374= (NM_001406795.1, NM_001406802.1); c.1026C>T, p.Ala342= (NM_001406796.1, NM_001406798.1, NM_001406800.1 and 4 more transcripts); c.729C>T, p.Ala243= (NM_001406797.1, NM_001406801.1, NM_001406805.1 and 10 more transcripts); c.501C>T, p.Ala167= (NM_001406799.1, NM_001406806.1, NM_001406807.1); c.948C>T, p.Ala316= (NM_001406804.1); c.1032C>T, p.Ala344= (NM_001406813.1); and 2 more.
Identifiers: ClinVar variation 3903967 (VCV003903967.1).

ClinVar aggregate classification (germline): Benign (1 of 4 stars; one submission).

Conditions:
Lynch syndrome 5 (LYNCH5). Also called: Colorectal cancer, hereditary nonpolyposis, type 5; Hereditary non-polyposis colorectal cancer, type 5. Identifiers: Orphanet 144, MedGen C1833477, MONDO:0013710, OMIM 614350. Disease mechanism: loss of function.

gnomAD v4.1: 2 of 1,614,138 alleles (0.00012%); highest among the groups gnomAD compares: African/African-American, 0.0013%; no homozygotes.

Submission:

Myriad Genetics, Inc.
Classification: Benign for Lynch syndrome 5. Last evaluated: 2024-12-20. Review status: criteria provided, single submitter. Criteria: Myriad Autosomal Dominant, Autosomal Recessive and X-Linked Classification Criteria (2023). Collection method: clinical testing. Allele origin: unknown.
Comment: This variant is considered benign. This variant is a silent/synonymous amino acid change and it is not expected to impact splicing.